The following is an entry in ClinVar:

ClinVar aggregate classification (germline): Likely pathogenic. Review status: criteria provided, multiple submitters, no conflicts (2 of 4 stars). 2 submissions from 2 submitters: Likely pathogenic (2). Last evaluated 2021-07-01.

Conditions:
Ehlers-Danlos syndrome, type 4 (EDSVASC). Also called: Ehlers-Danlos syndrome vascular type; Ehlers Danlos syndrome, ecchymotic type; Ehlers Danlos syndrome, arterial type; Ehlers Danlos syndrome, Sack-Barabas type; Ehlers-Danlos Syndrome Type IV. Identifiers: Orphanet 286, MedGen C0268338, MONDO:0017314, OMIM 130050.

Submissions (2):

Mayo Clinic Laboratories, Mayo Clinic
Classification: Likely pathogenic for Ehlers-Danlos syndrome, type 4. Last evaluated: 2021-07-01. Review status: criteria provided, single submitter. Criteria: ACMG Guidelines, 2015. Collection method: clinical testing. Allele origin: germline.
Comment: PM1, PM2, PM4, PP4

Labcorp Genetics (formerly Invitae), Labcorp
Classification: Likely pathogenic for Ehlers-Danlos syndrome, type 4. Last evaluated: 2021-06-28. Review status: criteria provided, single submitter. Criteria: Invitae Variant Classification Sherloc (09022015). Collection method: clinical testing. Allele origin: germline.
Comment: This variant, c.2308_2310del, results in the deletion of 1 amino acid(s) of the COL3A1 protein (p.Pro770del), but otherwise preserves the integrity of the reading frame. This variant is not present in population databases (ExAC no frequency). This variant has not been reported in the literature in individuals affected with COL3A1-related conditions. This variant disrupts the triple helix domain of COL3A1. Glycine residues within the Gly-Xaa-Yaa repeats of the triple helix domain are required for the structure and stability of fibrillar collagens (PMID: 7695699, 8218237, 19344236). In COL3A1, variants that affect these glycine residues are significantly enriched in individuals with disease (PMID: 24922459, 25758994) compared to the general population (ExAC). In summary, the currently available evidence indicates that the variant is pathogenic, but additional data are needed to prove that conclusively. Therefore, this variant has been classified as Likely Pathogenic.

Literature cited by the submitters: PubMed 7695699 (cited by Labcorp Genetics (formerly Invitae), Labcorp); PubMed 8218237 (cited by Labcorp Genetics (formerly Invitae), Labcorp); PubMed 19344236 (cited by Labcorp Genetics (formerly Invitae), Labcorp); PubMed 24922459 (cited by Labcorp Genetics (formerly Invitae), Labcorp); PubMed 25758994 (cited by Labcorp Genetics (formerly Invitae), Labcorp).

NM_000090.4(COL3A1):c.2305CCT[1] (p.Pro770del)

Gene: COL3A1 (collagen type III alpha 1 chain; plus strand). Cytogenetic location: 2q32.2.
Variant type: Microsatellite.
Coding change: c.2305CCT[1] on transcript NM_000090.4 (MANE Select); one copy of the 3-base unit CCT starting at c.2305; the reference has two copies in a row; one copy, 3 bases deleted.
Protein change: p.Pro770del; deletes proline 770.
Molecular consequence: inframe deletion.
Genome position (GRCh38, 1-based): chr2:189,001,421-189,001,423, CCT deleted; deleting any 3 consecutive bases within chr2:189,001,417-189,001,423 gives the same sequence; the position shown is the placement nearest the transcript's 3' end. VCF-style (leftmost placement, unchanged base first): chr2-189001416-GTCC-G. GRCh37 (hg19) VCF-style: chr2-189866142-GTCC-G.
Other names: p.Pro770del; short protein forms P770del.
Identifiers: ClinVar variation 1343349 (VCV001343349.11), dbSNP rs2153503227, ClinGen allele CA2580616653.